The following is an entry in ClinVar:

ClinVar aggregate classification (germline): Pathogenic (1 of 4 stars; one submission).

Conditions:
Fanconi anemia complementation group D1. Also called: BRCA2-Related Fanconi Anemia. Identifiers: Orphanet 319462, MedGen C1838457, MONDO:0011584, OMIM 605724.

Submission:

Institute of Human Genetics, University of Goettingen
Classification: Pathogenic for Fanconi anemia complementation group D1. Last evaluated: 2022-09-23. Review status: criteria provided, single submitter. Criteria: ACMG Guidelines, 2015. Collection method: clinical testing. Allele origin: paternal. Inheritance: Autosomal recessive inheritance. Affected: yes. Observed: 1 compound heterozygote.
Comment: The variant c.658dup (p.(Val220Glyfs*5)) in exon 8 of the BRCA2 gene is not found in the gnomAD database and it creates a frame shift starting at codon Val220. The new reading frame ends in a STOP codon at position 5. ACMG criteria used for classification: PVS1, PM2, PM3.

NM_000059.4(BRCA2):c.658dup (p.Val220fs)

Gene: BRCA2 (BRCA2 DNA repair associated; plus strand). Cytogenetic location: 13q13.1.
Variant type: Duplication.
Coding change: c.658dup on transcript NM_000059.4 (MANE Select); coding-DNA position 658, one base duplicated (G; older notation c.658dupG).
Protein change: p.Val220fs; shifts the reading frame from valine 220.
Molecular consequence: frameshift variant.
Genome position (GRCh38, 1-based): chr13:32,329,469, G duplicated. VCF-style (leftmost placement, unchanged base first): chr13-32329468-T-TG. GRCh37 (hg19) VCF-style: chr13-32903605-T-TG.
Other names: c.658dup, p.Val220Glyfs (NM_001406719.1, NM_001406720.1, NM_001406721.1); c.289dup, p.Val97Glyfs (NM_001406722.1); short protein forms V220fs.
Identifiers: ClinVar variation 1706564 (VCV001706564.2), dbSNP rs2548517018, ClinGen allele CA2580087054.